The following is an entry in ClinVar:

ClinVar aggregate classification (germline): Uncertain significance (1 of 4 stars; one submission).

Conditions:
Hereditary cancer-predisposing syndrome. Also called: Neoplastic Syndromes, Hereditary; Tumor predisposition; Hereditary Cancer Syndrome; Hereditary neoplastic syndrome. Identifiers: Orphanet 140162, MedGen C0027672, MeSH D009386, MONDO:0015356.

Submission:

Ambry Genetics
Classification: Uncertain significance for Hereditary cancer-predisposing syndrome. Last evaluated: 2026-05-04. Review status: criteria provided, single submitter. Criteria: Ambry Variant Classification Scheme 2023. Collection method: clinical testing. Allele origin: germline.
Comment: The p.S1568P variant (also known as c.4702T>C), located in coding exon 36 of the TSC2 gene, results from a T to C substitution at nucleotide position 4702. The serine at codon 1568 is replaced by proline, an amino acid with similar properties. This amino acid position is conserved. In addition, this alteration is predicted to be deleterious by in silico analysis. Based on the available evidence, the clinical significance of this variant remains unclear.

NM_000548.5(TSC2):c.4702T>C (p.Ser1568Pro)

Gene: TSC2 (TSC complex subunit 2; plus strand). Cytogenetic location: 16p13.3.
Variant type: single nucleotide variant.
Coding change: c.4702T>C on transcript NM_000548.5 (MANE Select); coding-DNA position 4702, T replaced by C.
Protein change: p.Ser1568Pro; replaces serine 1568 with proline.
Molecular consequence: missense variant. On other transcripts: non-coding transcript variant (5).
Genome position (GRCh38, 1-based): chr16:2,086,232, T>C. VCF-style: chr16-2086232-T-C. GRCh37 (hg19) VCF-style: chr16-2136233-T-C.
Other names: c.4501T>C, p.Ser1501Pro (NM_001077183.3); c.4633T>C, p.Ser1545Pro (NM_001114382.3); c.4393T>C, p.Ser1465Pro (NM_001318827.2); c.4357T>C, p.Ser1453Pro (NM_001318829.2); c.3970T>C, p.Ser1324Pro (NM_001318831.2); c.4534T>C, p.Ser1512Pro (NM_001318832.2); c.4504T>C, p.Ser1502Pro (NM_001363528.2); c.4570T>C, p.Ser1524Pro (NM_001370404.1); and 26 more; short protein forms S1345P, S1348P, S1496P, S1508P, S1512P, S967P, S1053P, S1076P.
Identifiers: ClinVar variation 3974637 (VCV003974637.2).